The following is an entry in ClinVar:

ClinVar aggregate classification (germline): Likely benign (1 of 4 stars; one submission).

Conditions:
Neurofibromatosis, type 1 (NF1). Also called: VON RECKLINGHAUSEN DISEASE; NEUROFIBROMATOSIS, TYPE I, SOMATIC; Peripheral type neurofibromatosis; Neurofibromatosis, type I. Identifiers: Orphanet 636, MedGen C0027831, MONDO:0018975, OMIM 162200. Disease mechanism: loss of function.

Submission:

Myriad Genetics, Inc.
Classification: Likely benign for Neurofibromatosis, type 1. Last evaluated: 2026-05-13. Review status: criteria provided, single submitter. Criteria: Myriad Autosomal Dominant, Autosomal Recessive and X-Linked Classification Criteria (2023). Collection method: clinical testing. Allele origin: unknown.
Comment: This variant is considered likely benign. This variant is intronic and is not expected to impact mRNA splicing.

NM_001042492.3(NF1):c.5813-20A>G

Gene: NF1 (neurofibromin 1; plus strand). Cytogenetic location: 17q11.2.
Variant type: single nucleotide variant.
Coding change: c.5813-20A>G on transcript NM_001042492.3 (MANE Select); 20 bases into the intron before coding-DNA position 5813, A replaced by G.
Molecular consequence: intron variant.
Genome position (GRCh38, 1-based): chr17:31,334,818, A>G. VCF-style: chr17-31334818-A-G. GRCh37 (hg19) VCF-style: chr17-29661836-A-G.
Other names: c.5750-20A>G (NM_000267.4).
Identifiers: ClinVar variation 4876205 (VCV004876205.1).